The following is an entry in ClinVar:

NM_018417.6(ADCY10):c.4763G>C (p.Arg1588Thr)

Gene: ADCY10 (adenylate cyclase 10; minus strand). Cytogenetic location: 1q24.2.
Variant type: single nucleotide variant.
Coding change: c.4763G>C on transcript NM_018417.6 (MANE Select); coding-DNA position 4763, G replaced by C.
Protein change: p.Arg1588Thr; replaces arginine 1588 with threonine.
Molecular consequence: missense variant.
Genome position (GRCh38, 1-based): chr1:167,809,748, C>G on the plus strand (G>C on the coding strand, the complement: ADCY10 is on the minus strand). VCF-style: chr1-167809748-C-G. GRCh37 (hg19) VCF-style: chr1-167778985-C-G.
Other names: c.4304G>C, p.Arg1435Thr (NM_001167749.3); c.4487G>C, p.Arg1496Thr (NM_001297772.2); short protein forms R1435T, R1496T, R1588T.
Identifiers: ClinVar variation 1016266 (VCV001016266.6), dbSNP rs755426228, ClinGen allele CA1226920.

ClinVar aggregate classification (germline): Uncertain significance. Review status: criteria provided, multiple submitters, no conflicts (2 of 4 stars). 2 submissions from 2 submitters: Uncertain significance (2). Last evaluated 2025-04-19.

Conditions:
Familial idiopathic hypercalciuria (HCA2). Also called: Hypercalciuria, absorptive, 2; Hypercalciuria, absorptive, susceptibility to. Identifiers: MedGen C0342639, MONDO:0007748, OMIM 143870.

Allele frequency attached by ClinVar (database versions not stated): gnomAD 0.00001; gnomAD exomes 0.00001 and 0.00002; TOPMed 0.00001; ExAC 0.00002.
gnomAD v4.1: 7 of 1,614,026 alleles (0.00043%); highest among the groups gnomAD compares: Admixed American, 0.012%; no homozygotes.

Submissions (2):

Labcorp Genetics (formerly Invitae), Labcorp
Classification: Uncertain significance. Last evaluated: 2025-04-19. Review status: criteria provided, single submitter. Criteria: Invitae Variant Classification Sherloc (09022015). Collection method: clinical testing. Allele origin: germline.
Comment: This sequence change replaces arginine, which is basic and polar, with threonine, which is neutral and polar, at codon 1588 of the ADCY10 protein (p.Arg1588Thr). The frequency data for this variant in the population databases is considered unreliable, as metrics indicate poor data quality at this position in the gnomAD database. This variant has not been reported in the literature in individuals affected with ADCY10-related conditions. ClinVar contains an entry for this variant (Variation ID: 1016266). An algorithm developed to predict the effect of missense changes on protein structure and function (PolyPhen-2) suggests that this variant is likely to be tolerated. Algorithms developed to predict the effect of sequence changes on RNA splicing suggest that this variant may create or strengthen a splice site. In summary, the available evidence is currently insufficient to determine the role of this variant in disease. Therefore, it has been classified as a Variant of Uncertain Significance.

Fulgent Genetics
Classification: Uncertain significance for Familial idiopathic hypercalciuria. Last evaluated: 2021-12-12. Review status: criteria provided, single submitter. Criteria: ACMG Guidelines, 2015. Collection method: clinical testing. Allele origin: unknown.